The following is an entry in ClinVar:

NM_004168.4(SDHA):c.258T>C (p.Asn86=)

Gene: SDHA (succinate dehydrogenase complex flavoprotein subunit A; plus strand). Cytogenetic location: 5p15.33.
Variant type: single nucleotide variant.
Coding change: c.258T>C on transcript NM_004168.4 (MANE Select); coding-DNA position 258, T replaced by C.
Protein change: p.Asn86=; no amino-acid change (asparagine 86 retained).
Molecular consequence: synonymous variant.
Genome position (GRCh38, 1-based): chr5:224,467, T>C. VCF-style: chr5-224467-T-C. GRCh37 (hg19) VCF-style: chr5-224582-T-C.
Other names: c.258T>C, p.Asn86= (NM_001294332.2, NM_001330758.2).
Identifiers: ClinVar variation 1793511 (VCV001793511.3), dbSNP rs2477286725, ClinGen allele CA442690899.

ClinVar aggregate classification (germline): Benign/Likely benign. Review status: criteria provided, multiple submitters, no conflicts (2 of 4 stars). 2 submissions from 2 submitters: Benign (1); Likely benign (1). Last evaluated 2025-02-28.

Conditions:
Pheochromocytoma/paraganglioma syndrome 5. Also called: Paragangliomas 5; SDHA-Related Hereditary Paraganglioma-Pheochromocytoma Syndrome. Identifiers: Orphanet 29072, MedGen C3279992, MONDO:0013602, OMIM 614165.
Hereditary cancer-predisposing syndrome. Also called: Tumor predisposition; Hereditary Cancer Syndrome; Hereditary neoplastic syndrome; Neoplastic Syndromes, Hereditary. Identifiers: Orphanet 140162, MedGen C0027672, MeSH D009386, MONDO:0015356.

Submissions (2):

Myriad Genetics, Inc.
Classification: Benign for Pheochromocytoma/paraganglioma syndrome 5. Last evaluated: 2025-02-28. Review status: criteria provided, single submitter. Criteria: Myriad Autosomal Dominant, Autosomal Recessive and X-Linked Classification Criteria (2023). Collection method: clinical testing. Allele origin: unknown.
Comment: This variant is considered benign. This variant is a silent/synonymous amino acid change and it is not expected to impact splicing.

Ambry Genetics
Classification: Likely benign for Hereditary cancer-predisposing syndrome. Last evaluated: 2019-08-22. Review status: criteria provided, single submitter. Criteria: Ambry Variant Classification Scheme 2023. Collection method: clinical testing. Allele origin: germline.